The following is an entry in ClinVar:

NM_001377275.1(PER3):c.2299C>T (p.Pro767Ser)

Genes: PER3 (period circadian regulator 3; plus strand), LOC126805604 (CDK7 strongly-dependent group 2 enhancer GRCh37_chr1:7886590-7887789; plus strand). Cytogenetic location: 1p36.23.
Variant type: single nucleotide variant.
Coding change: c.2299C>T on transcript NM_001377275.1 (MANE Select); coding-DNA position 2299, C replaced by T.
Protein change: p.Pro767Ser; replaces proline 767 with serine.
Molecular consequence: missense variant.
Genome position (GRCh38, 1-based): chr1:7,827,228, C>T. VCF-style: chr1-7827228-C-T. GRCh37 (hg19) VCF-style: chr1-7887288-C-T.
Other names: c.2299C>T, p.Pro767Ser (NM_001289861.2, NM_001289862.2); c.2278C>T, p.Pro760Ser (NM_001289863.3, NM_001377276.1); c.1342C>T, p.Pro448Ser (NM_001289864.3); c.2275C>T, p.Pro759Ser (NM_016831.4); short protein forms P759S, P760S, P767S, P448S.
Identifiers: ClinVar variation 753405 (VCV000753405.6), dbSNP rs556093537, ClinGen allele CA568367.
Genomic context (GRCh38, chr1:7,827,228, plus strand): 5'-CACAAGCGGAAGAAGCTGCCGGAGCCGCCAGACAGCAGCAGCTCGAACACCGGCTCTGGT[C>T]CCCGCAGGGGAGCGCATCAGAACGCACAGCCCTGCTGCCCCTCCGCGGCCTCCTCTCCGC-3'
Protein context (NP_001364204.1, residues 757-777): DSSSSNTGSG[Pro767Ser]RRGAHQNAQP

ClinVar aggregate classification (germline): Conflicting classifications of pathogenicity. Review status: criteria provided, conflicting classifications (1 of 4 stars). 3 submissions from 3 submitters: Uncertain significance (1); Likely benign (1). 1 of the submissions does not count toward it. Last evaluated 2022-12-03.

Conditions:
PER3-related disorder. Also called: PER3-related condition.
Advanced sleep phase syndrome 3. Also called: Advanced sleep phase syndrome, familial, 3. Identifiers: Orphanet 164736, MedGen C4225169, MONDO:0014814, OMIM 616882.

Allele frequency attached by ClinVar (database versions not stated): gnomAD 0.00001 and 0.00022; TOPMed 0.00001; 1000 Genomes Project 30x 0.00109; gnomAD exomes 0.00109; 1000 Genomes Project 0.00120; ExAC 0.00123.
gnomAD v4.1: 793 of 1,613,980 alleles (0.049%); highest among the groups gnomAD compares: South Asian, 0.83%; 6 homozygotes.

Submissions (3):

Department of Pathology and Laboratory Medicine, Sinai Health System
Classification: Uncertain significance for Advanced sleep phase syndrome 3. Last evaluated: 2022-12-03. Review status: criteria provided, single submitter. Criteria: ACMG Guidelines, 2015. Collection method: research. Allele origin: germline.

Labcorp Genetics (formerly Invitae), Labcorp
Classification: Likely benign. Last evaluated: 2018-06-15. Review status: criteria provided, single submitter. Criteria: Invitae Variant Classification Sherloc (09022015). Collection method: clinical testing. Allele origin: germline.

PreventionGenetics, part of Exact Sciences
Classification: Benign for PER3-related condition. Last evaluated: 2019-05-16. Review status: no assertion criteria provided. Collection method: clinical testing. Allele origin: germline. Not counted in ClinVar's aggregate classification.
Comment: This variant is classified as benign based on ACMG/AMP sequence variant interpretation guidelines (Richards et al. 2015 PMID: 25741868, with internal and published modifications).